The following is an entry in ClinVar:

NM_003002.4(SDHD):c.250T>A (p.Tyr84Asn)

Gene: SDHD (succinate dehydrogenase complex subunit D; plus strand). Cytogenetic location: 11q23.1.
Variant type: single nucleotide variant.
Coding change: c.250T>A on transcript NM_003002.4 (MANE Select); coding-DNA position 250, T replaced by A.
Protein change: p.Tyr84Asn; replaces tyrosine 84 with asparagine.
Molecular consequence: missense variant. On other transcripts: non-coding transcript variant (1), intron variant (1).
Genome position (GRCh38, 1-based): chr11:112,088,947, T>A. VCF-style: chr11-112088947-T-A. GRCh37 (hg19) VCF-style: chr11-111959671-T-A.
Other names: c.133T>A, p.Tyr45Asn (NM_001276504.2); c.250T>A, p.Tyr84Asn (NM_001276506.2); c.169+974T>A (NM_001276503.2); short protein forms Y45N, Y84N.
Identifiers: ClinVar variation 2452936 (VCV002452936.4), dbSNP rs2498905001, ClinGen allele CA382617307.

ClinVar aggregate classification (germline): Uncertain significance. Review status: criteria provided, multiple submitters, no conflicts (2 of 4 stars). 2 submissions from 2 submitters: Uncertain significance (2). Last evaluated 2026-06-18.

Conditions:
Pheochromocytoma. Also called: MAX-Related Hereditary Paraganglioma-Pheochromocytoma Syndrome. Identifiers: Orphanet 29072, MedGen C0031511, MONDO:0008233, OMIM 171300, HP:0002666.
Paragangliomas with sensorineural hearing loss. Identifiers: MedGen C1868633.
Carney-Stratakis syndrome. Also called: PARAGANGLIOMA AND GASTROINTESTINAL STROMAL TUMOR. Identifiers: Orphanet 97286, MedGen C1847319, MONDO:0011740, OMIM 606864.
Cowden syndrome 3 (CWS3). Identifiers: Orphanet 201, MedGen CN166604, MONDO:0014045.
Hereditary cancer-predisposing syndrome. Also called: Hereditary Cancer Syndrome; Hereditary neoplastic syndrome; Neoplastic Syndromes, Hereditary; Tumor predisposition. Identifiers: Orphanet 140162, MedGen C0027672, MeSH D009386, MONDO:0015356.

Submissions (2):

Ambry Genetics
Classification: Uncertain significance for Hereditary cancer-predisposing syndrome. Last evaluated: 2026-06-18. Review status: criteria provided, single submitter. Criteria: Ambry Variant Classification Scheme 2023. Collection method: clinical testing. Allele origin: germline.
Comment: The p.Y84N variant (also known as c.250T>A), located in coding exon 3 of the SDHD gene, results from a T to A substitution at nucleotide position 250. The tyrosine at codon 84 is replaced by asparagine, an amino acid with dissimilar properties. This amino acid position is highly conserved in available vertebrate species. In addition, this alteration is predicted to be deleterious by in silico analysis. Based on the available evidence, the clinical significance of this variant remains unclear.

Labcorp Genetics (formerly Invitae), Labcorp
Classification: Uncertain significance for Carney-Stratakis syndrome; Paragangliomas with sensorineural hearing loss; Pheochromocytoma; Cowden syndrome 3. Last evaluated: 2025-10-29. Review status: criteria provided, single submitter. Criteria: Invitae Variant Classification Sherloc (09022015). Collection method: clinical testing. Allele origin: germline.
Comment: This sequence change replaces tyrosine, which is neutral and polar, with asparagine, which is neutral and polar, at codon 84 of the SDHD protein (p.Tyr84Asn). This variant is not present in population databases (gnomAD no frequency). This variant has not been reported in the literature in individuals affected with SDHD-related conditions. ClinVar contains an entry for this variant (Variation ID: 2452936). Invitae Evidence Modeling of protein sequence and biophysical properties (such as structural, functional, and spatial information, amino acid conservation, physicochemical variation, residue mobility, and thermodynamic stability) indicates that this missense variant is expected to disrupt SDHD protein function with a positive predictive value of 95%. In summary, the available evidence is currently insufficient to determine the role of this variant in disease. Therefore, it has been classified as a Variant of Uncertain Significance.